The following is an entry in ClinVar:

ClinVar aggregate classification (germline): Uncertain significance (1 of 4 stars; one submission).

Conditions:
Catecholaminergic polymorphic ventricular tachycardia (CVPT). Also called: Catecholamine-induced polymorphic ventricular tachycardia. Identifiers: Orphanet 3286, MedGen C5574922, MONDO:0017990.

Submission:

All of Us Research Program, National Institutes of Health
Classification: Uncertain significance for Catecholaminergic polymorphic ventricular tachycardia. Last evaluated: 2024-08-13. Review status: criteria provided, single submitter. Criteria: ACMG Guidelines, 2015. Collection method: clinical testing. Allele origin: germline. Inheritance: Autosomal dominant inheritance. Observed: 1 variant allele, 1 heterozygote.
Comment: This variant is located in the RYR2 protein. To our knowledge, functional studies have not been reported for this variant. This variant has not been reported in individuals affected with RYR2-related disorders in the literature. This variant has not been identified in the general population by the Genome Aggregation Database (gnomAD). The available evidence is insufficient to determine the role of this variant in disease conclusively. Therefore, this variant is classified as a Variant of Uncertain Significance.

This study involves interpretation of variants in research participants for the purpose of population health screening. Participant phenotype was not available at the time of variant classification. Additional details can be found in publication PMID: 35346344, PMCID: PMC8962531

NM_001035.3(RYR2):c.10323G>A (p.Lys3441=)

Gene: RYR2 (ryanodine receptor 2; plus strand). Cytogenetic location: 1q43.
Variant type: single nucleotide variant.
Coding change: c.10323G>A on transcript NM_001035.3 (MANE Select); coding-DNA position 10323, G replaced by A.
Protein change: p.Lys3441=; no amino-acid change (lysine 3441 retained).
Molecular consequence: synonymous variant.
Genome position (GRCh38, 1-based): chr1:237,711,837, G>A. VCF-style: chr1-237711837-G-A. GRCh37 (hg19) VCF-style: chr1-237875137-G-A.
Identifiers: ClinVar variation 3385829 (VCV003385829.1).
Genomic context (GRCh38, chr1:237,711,837, plus strand): 5'-ACAGAATGAAATCAACAATATGTCTTTCCTTATTACTGATACCAAGTCAAAGATGTCAAA[G>A]GTATTACTATAAACTGTTTCACTGTTCTGGAAAATATCTGAATGTGACTTTCATGAATTG-3'
Protein context (NP_001026.2, residues 3431-3451): LITDTKSKMS[Lys3441=]AAVSDQERKK